The following is an entry in ClinVar:

NM_004204.5(PIGQ):c.539G>A (p.Arg180His)

Gene: PIGQ (phosphatidylinositol glycan anchor biosynthesis class Q; plus strand). Cytogenetic location: 16p13.3.
Variant type: single nucleotide variant.
Coding change: c.539G>A on transcript NM_004204.5 (MANE Select); coding-DNA position 539, G replaced by A.
Protein change: p.Arg180His; replaces arginine 180 with histidine.
Molecular consequence: missense variant.
Genome position (GRCh38, 1-based): chr16:574,613, G>A. VCF-style: chr16-574613-G-A. GRCh37 (hg19) VCF-style: chr16-624613-G-A.
Other names: c.539G>A, p.Arg180His (NM_148920.4); short protein forms R180H.
Identifiers: ClinVar variation 1401544 (VCV001401544.7), dbSNP rs376046019, ClinGen allele CA7779901.

ClinVar aggregate classification (germline): Uncertain significance (1 of 4 stars; one submission).

Conditions:
Epilepsy. Also called: Seizure disorder. Identifiers: MedGen C0014544, MeSH D004827, MONDO:0005027.

Allele frequency attached by ClinVar (database versions not stated): gnomAD exomes 0.00001 and 0.00002; TOPMed 0.00002; gnomAD 0.00003; ESP Exome Variant Server 0.00008.
gnomAD v4.1: 24 of 1,606,070 alleles (0.0015%); highest among the groups gnomAD compares: African/African-American, 0.011%; no homozygotes.

Submission:

Labcorp Genetics (formerly Invitae), Labcorp
Classification: Uncertain significance for Epilepsy. Last evaluated: 2025-01-06. Review status: criteria provided, single submitter. Criteria: Invitae Variant Classification Sherloc (09022015). Collection method: clinical testing. Allele origin: germline.
Comment: This sequence change replaces arginine, which is basic and polar, with histidine, which is basic and polar, at codon 180 of the PIGQ protein (p.Arg180His). The frequency data for this variant in the population databases is considered unreliable, as metrics indicate poor data quality at this position in the gnomAD database. This variant has not been reported in the literature in individuals affected with PIGQ-related conditions. ClinVar contains an entry for this variant (Variation ID: 1401544). An algorithm developed to predict the effect of missense changes on protein structure and function (PolyPhen-2) suggests that this variant is likely to be disruptive. In summary, the available evidence is currently insufficient to determine the role of this variant in disease. Therefore, it has been classified as a Variant of Uncertain Significance.